The following is an entry in ClinVar:

ClinVar aggregate classification (germline): Conflicting classifications of pathogenicity. Review status: criteria provided, conflicting classifications (1 of 4 stars). 2 submissions from 2 submitters: Uncertain significance (1); Likely benign (1). Last evaluated 2023-04-14.

Conditions:
Very long chain acyl-CoA dehydrogenase deficiency (ACADVLD). Also called: Very Long-Chain Acyl-Coenzyme A Dehydrogenase Deficiency; VLCAD Deficiency. Identifiers: Orphanet 26793, MedGen C3887523, MONDO:0008723, OMIM 201475.

gnomAD v4.1: 2 of 1,614,180 alleles (0.00012%); highest among the groups gnomAD compares: Non-Finnish European, 0.00017%; no homozygotes.

Submissions (2):

Labcorp Genetics (formerly Invitae), Labcorp
Classification: Likely benign for Very long chain acyl-CoA dehydrogenase deficiency. Last evaluated: 2023-04-14. Review status: criteria provided, single submitter. Criteria: Invitae Variant Classification Sherloc (09022015). Collection method: clinical testing. Allele origin: germline.

Wong Mito Lab, Molecular and Human Genetics, Baylor College of Medicine
Classification: Uncertain significance for Very long chain acyl-CoA dehydrogenase deficiency. Last evaluated: 2019-11-01. Review status: criteria provided, single submitter. Criteria: ACMG Guidelines, 2015. Collection method: clinical testing. Allele origin: germline.
Comment: The NM_000018.3:c.753-9C>T (NP_000009.1:p.?) [GRCH38: NC_000017.11:g.7222168C>T] variant in ACADVL gene is interpretated to be Uncertain Significance based on ACMG guidelines (PMID: 25741868). This variant has been reported. This variant dose not meet any evidence codes reported in the ACMG guidelines.

NM_000018.4(ACADVL):c.753-9C>T

Gene: ACADVL (acyl-CoA dehydrogenase very long chain; plus strand). Cytogenetic location: 17p13.1.
Variant type: single nucleotide variant.
Coding change: c.753-9C>T on transcript NM_000018.4 (MANE Select); 9 bases into the intron before coding-DNA position 753, C replaced by T.
Molecular consequence: intron variant.
Genome position (GRCh38, 1-based): chr17:7,222,168, C>T. VCF-style: chr17-7222168-C-T. GRCh37 (hg19) VCF-style: chr17-7125487-C-T.
Other names: c.822-9C>T (NM_001270447.2); c.525-9C>T (NM_001270448.2); c.687-9C>T (NM_001033859.3).
Identifiers: ClinVar variation 932799 (VCV000932799.12), dbSNP rs1262931604, ClinGen allele CA1139665142.
Genomic context (GRCh38, chr17:7,222,168, plus strand): 5'-CTCCTCCGCCCAATTCCAGGCCCCACTGCTCCCCGTCCTCCACGCCCTGAATATCCCATT[C>T]TTCCACAGTAATGGGGGCCTAGCAGACATCTTCACGGTCTTTGCCAAGACACCAGTTACA-3'